The following is an entry in ClinVar:

ClinVar aggregate classification (germline): Likely benign. Review status: criteria provided, multiple submitters, no conflicts (2 of 4 stars). 3 submissions from 3 submitters: Likely benign (3). Last evaluated 2024-04-16.

Conditions:
Malignant hyperthermia, susceptibility to, 1 (MHS1). Also called: Malignant hyperthermia suceptibility 1; Anesthesia related hyperthermia; Malignant hyperpyrexia; Fulminating hyperpyrexia; Pharmacogenic myopathy; RYR1-Related Malignant Hyperthermia Susceptibility. Identifiers: Orphanet 423, MedGen C2930980, MONDO:0007783, OMIM 145600.
RYR1-related disorder. Also called: RYR1-related condition; RYR1-related disorders. Identifiers: MedGen CN239331.

Allele frequency attached by ClinVar (database versions not stated): gnomAD exomes below 0.00001; gnomAD 0.00001; TOPMed 0.00001; ESP Exome Variant Server 0.00008.
gnomAD v4.1: 3 of 1,613,968 alleles (0.00019%); highest among the groups gnomAD compares: African/African-American, 0.0013%; no homozygotes.

Submissions (3):

All of Us Research Program, National Institutes of Health
Classification: Likely benign for Malignant hyperthermia, susceptibility to, 1. Last evaluated: 2024-04-16. Review status: criteria provided, single submitter. Criteria: ACMG Guidelines, 2015. Collection method: clinical testing. Allele origin: germline. Inheritance: Autosomal dominant inheritance. Observed: 1 variant allele, 1 heterozygote.
Comment: This study involves interpretation of variants in research participants for the purpose of population health screening. Participant phenotype was not available at the time of variant classification. Additional details can be found in publication PMID: 35346344, PMCID: PMC8962531

Color Diagnostics, LLC DBA Color Health
Classification: Likely benign for Malignant hyperthermia, susceptibility to, 1. Last evaluated: 2022-11-06. Review status: criteria provided, single submitter. Criteria: ACMG Guidelines, 2015. Collection method: clinical testing. Allele origin: germline.

Labcorp Genetics (formerly Invitae), Labcorp
Classification: Likely benign for RYR1-related disorder. Last evaluated: 2022-03-06. Review status: criteria provided, single submitter. Criteria: Invitae Variant Classification Sherloc (09022015). Collection method: clinical testing. Allele origin: germline.

NM_000540.3(RYR1):c.6540G>A (p.Gln2180=)

Gene: RYR1 (ryanodine receptor 1; plus strand). Cytogenetic location: 19q13.2.
Variant type: single nucleotide variant.
Coding change: c.6540G>A on transcript NM_000540.3 (MANE Select); coding-DNA position 6540, G replaced by A.
Protein change: p.Gln2180=; no amino-acid change (glutamine 2180 retained).
Molecular consequence: synonymous variant.
Genome position (GRCh38, 1-based): chr19:38,494,617, G>A. VCF-style: chr19-38494617-G-A. GRCh37 (hg19) VCF-style: chr19-38985257-G-A.
Other names: c.6540G>A, p.Gln2180= (NM_001042723.2).
Identifiers: ClinVar variation 1582760 (VCV001582760.9), dbSNP rs146773090, ClinGen allele CA308102482.